The following is an entry in ClinVar:

NM_003737.4(DCHS1):c.8761G>C (p.Asp2921His)

Gene: DCHS1 (dachsous cadherin-related 1; minus strand). Cytogenetic location: 11p15.4.
Variant type: single nucleotide variant.
Coding change: c.8761G>C on transcript NM_003737.4 (MANE Select); coding-DNA position 8761, G replaced by C.
Protein change: p.Asp2921His; replaces aspartic acid 2921 with histidine.
Molecular consequence: missense variant.
Genome position (GRCh38, 1-based): chr11:6,622,915, C>G on the plus strand (G>C on the coding strand, the complement: DCHS1 is on the minus strand). VCF-style: chr11-6622915-C-G. GRCh37 (hg19) VCF-style: chr11-6644146-C-G.
Other names: short protein forms D2921H.
Identifiers: ClinVar variation 1470805 (VCV001470805.6), dbSNP rs1293374167, ClinGen allele CA379480393.

ClinVar aggregate classification (germline): Uncertain significance (1 of 4 stars; one submission).

Submission:

Labcorp Genetics (formerly Invitae), Labcorp
Classification: Uncertain significance. Last evaluated: 2022-03-17. Review status: criteria provided, single submitter. Criteria: Invitae Variant Classification Sherloc (09022015). Collection method: clinical testing. Allele origin: germline.
Comment: In summary, the available evidence is currently insufficient to determine the role of this variant in disease. Therefore, it has been classified as a Variant of Uncertain Significance. Advanced modeling of protein sequence and biophysical properties (such as structural, functional, and spatial information, amino acid conservation, physicochemical variation, residue mobility, and thermodynamic stability) performed at Invitae indicates that this missense variant is not expected to disrupt DCHS1 protein function. This variant has not been reported in the literature in individuals affected with DCHS1-related conditions. This variant is not present in population databases (gnomAD no frequency). This sequence change replaces aspartic acid, which is acidic and polar, with histidine, which is basic and polar, at codon 2921 of the DCHS1 protein (p.Asp2921His).